The following is an entry in ClinVar:

NM_206965.2(FTCD):c.367+10C>G

Gene: FTCD (formimidoyltransferase cyclodeaminase; minus strand). Cytogenetic location: 21q22.3.
Variant type: single nucleotide variant.
Coding change: c.367+10C>G on transcript NM_206965.2 (MANE Select); 10 bases into the intron after coding-DNA position 367, C replaced by G.
Molecular consequence: intron variant.
Genome position (GRCh38, 1-based): chr21:46,152,897, G>C on the plus strand (C>G on the coding strand, the complement: FTCD is on the minus strand). VCF-style: chr21-46152897-G-C. GRCh37 (hg19) VCF-style: chr21-47572811-G-C.
Other names: c.367+10C>G (NM_001320412.2, NM_006657.3).
Identifiers: ClinVar variation 3042160 (VCV003042160.2), dbSNP rs2071065344, ClinGen allele CA2502974933.
Genomic context (GRCh38, chr21:46,152,897, plus strand): 5'-TACAGAAGGAGCCAATAACCCACACCAATGAGACGGGAGCAGAGTGAGGGGGGCGGGGGG[G>C]CACGCTCACCTGGCACGTCCAGCTCCTCTGCCAGCCTCTGGCCAAAGGCCTGGGCGCAGA-3'

ClinVar aggregate classification (germline): Likely benign (0 of 4 stars; one submission).

Conditions:
FTCD-related disorder. Also called: FTCD-related condition.

Submission:

PreventionGenetics, part of Exact Sciences
Classification: Likely benign for FTCD-related condition. Last evaluated: 2019-06-02. Review status: no assertion criteria provided. Collection method: clinical testing. Allele origin: germline.
Comment: This variant is classified as likely benign based on ACMG/AMP sequence variant interpretation guidelines (Richards et al. 2015 PMID: 25741868, with internal and published modifications).